The following is an entry in ClinVar:

NM_000059.4(BRCA2):c.6212del (p.Ser2071fs)

Gene: BRCA2 (BRCA2 DNA repair associated; plus strand). Cytogenetic location: 13q13.1.
Variant type: Deletion.
Coding change: c.6212del on transcript NM_000059.4 (MANE Select); coding-DNA position 6212, one base deleted (G; older notation c.6212delG).
Protein change: p.Ser2071fs; shifts the reading frame from serine 2071.
Molecular consequence: frameshift variant.
Genome position (GRCh38, 1-based): chr13:32,340,567, G deleted. VCF-style (leftmost placement, unchanged base first): chr13-32340566-AG-A. GRCh37 (hg19) VCF-style: chr13-32914703-AG-A.
Other names: c.6212del (NM_000059.3); short protein forms S2071fs.
Identifiers: ClinVar variation 1437749 (VCV001437749.7), dbSNP rs2137525305, ClinGen allele CA2573149187.
Genomic context (GRCh38, chr13:32,340,566, plus strand): 5'-AATTCATCTGCTTTCTCTGGATTTAGTACAGCAAGTGGAAAGCAAGTTTCCATTTTAGAA[AG>A]TTCCTTACACAAAGTTAAGGGAGTGTTAGAGGAATTTGATTTAATCAGAACTGAGCATAG-3'

ClinVar aggregate classification (germline): Pathogenic/Likely pathogenic. Review status: criteria provided, multiple submitters, no conflicts (2 of 4 stars). 2 submissions from 2 submitters: Pathogenic (1); Likely pathogenic (1). Last evaluated 2025-05-19.

Conditions:
Hereditary breast ovarian cancer syndrome. Also called: BRCA1- and BRCA2-Associated Hereditary Breast and Ovarian Cancer; Hereditary breast and ovarian cancer syndrome; Hereditary breast and ovarian cancer; Hereditary breast and ovarian cancer syndrome (HBOC); Breast and ovarian cancer; Hereditary breast and/or ovarian cancer syndrome. Identifiers: Orphanet 145, MedGen C0677776, MeSH D061325, MONDO:0003582. Disease mechanism: loss of function.

Submissions (2):

Quest Diagnostics Nichols Institute San Juan Capistrano
Classification: Likely pathogenic. Last evaluated: 2025-05-19. Review status: criteria provided, single submitter. Criteria: Quest Diagnostics criteria. Collection method: clinical testing. Allele origin: unknown.
Comment: The BRCA2 c.6212del (p.Ser2071Ilefs*10) variant alters the translational reading frame of the BRCA2 mRNA and is predicted to cause the premature termination of BRCA2 protein synthesis. This variant has not been reported in individuals with BRCA2-related conditions in the published literature. This variant has not been reported in large, multi-ethnic general populations (Genome Aggregation Database). Based on the available information, this variant is classified as likely pathogenic.

Labcorp Genetics (formerly Invitae), Labcorp
Classification: Pathogenic for Hereditary breast ovarian cancer syndrome. Last evaluated: 2021-07-20. Review status: criteria provided, single submitter. Criteria: Invitae Variant Classification Sherloc (09022015). Collection method: clinical testing. Allele origin: germline.
Comment: This sequence change creates a premature translational stop signal (p.Ser2071Ilefs*10) in the BRCA2 gene. It is expected to result in an absent or disrupted protein product. Loss-of-function variants in BRCA2 are known to be pathogenic (PMID: 20104584). This variant is not present in population databases (ExAC no frequency). This variant has not been reported in the literature in individuals affected with BRCA2-related conditions. For these reasons, this variant has been classified as Pathogenic.

Literature cited by the submitters: PubMed 20104584 (cited by Labcorp Genetics (formerly Invitae), Labcorp).